The following is an entry in ClinVar:

ClinVar aggregate classification (germline): Uncertain significance (1 of 4 stars; one submission).

Submission:

Women's Health and Genetics/Laboratory Corporation of America, LabCorp
Classification: Uncertain significance. Last evaluated: 2023-10-30. Review status: criteria provided, single submitter. Criteria: LabCorp Variant Classification Summary - May 2015. Collection method: clinical testing. Allele origin: germline.
Comment: Variant summary: ZC4H2 c.470C>T (p.Ala157Val) results in a non-conservative amino acid change in the encoded protein sequence. Three of five in-silico tools predict a damaging effect of the variant on protein function. The variant was absent in 175786 control chromosomes. The available data on variant occurrences in the general population are insufficient to allow any conclusion about variant significance. To our knowledge, no occurrence of c.470C>T in individuals affected with Wieacker-Wolff Syndrome and no experimental evidence demonstrating its impact on protein function have been reported. No submitters have cited clinical-significance assessments for this variant to ClinVar after 2014. Based on the evidence outlined above, the variant was classified as uncertain significance.

NM_018684.4(ZC4H2):c.470C>T (p.Ala157Val)

Gene: ZC4H2 (zinc finger C4H2-type containing; minus strand). Cytogenetic location: Xq11.2.
Variant type: single nucleotide variant.
Coding change: c.470C>T on transcript NM_018684.4 (MANE Select); coding-DNA position 470, C replaced by T.
Protein change: p.Ala157Val; replaces alanine 157 with valine.
Molecular consequence: missense variant. On other transcripts: non-coding transcript variant (1), intron variant (1).
Genome position (GRCh38, 1-based): chrX:64,919,133, G>A on the plus strand (C>T on the coding strand, the complement: ZC4H2 is on the minus strand). VCF-style: chrX-64919133-G-A. GRCh37 (hg19) VCF-style: chrX-64139013-G-A.
Other names: c.401C>T, p.Ala134Val (NM_001178032.3, NM_001243804.2); c.398+948C>T (NM_001178033.3); short protein forms A134V, A157V.
Identifiers: ClinVar variation 2637564 (VCV002637564.1), dbSNP rs1929064405, ClinGen allele CA413411506.